The following is an entry in ClinVar:

NM_020461.4(TUBGCP6):c.3817_3818del (p.Pro1273fs)

Gene: TUBGCP6 (tubulin gamma complex component 6; minus strand). Cytogenetic location: 22q13.33.
Variant type: Deletion.
Coding change: c.3817_3818del on transcript NM_020461.4 (MANE Select); coding-DNA positions 3817 to 3818, 2 bases deleted (CC; older notation c.3817_3818delCC).
Protein change: p.Pro1273fs; shifts the reading frame from proline 1273.
Molecular consequence: frameshift variant.
Genome position (GRCh38, 1-based): chr22:50,220,541-50,220,542, GG deleted on the plus strand (CC on the coding strand, the reverse complement: TUBGCP6 is on the minus strand); deleting any 2 consecutive bases within chr22:50,220,541-50,220,543 gives the same sequence; the c. name uses the placement nearest the transcript's 3' end. VCF-style (leftmost placement, unchanged base first): chr22-50220540-AGG-A. GRCh37 (hg19) VCF-style: chr22-50658969-AGG-A.
Other names: c.3817_3818delCC (NM_020461.4); short protein forms P1273fs.
Identifiers: ClinVar variation 4849296 (VCV004849296.1).
Genomic context (GRCh38, chr22:50,220,540, plus strand): 5'-GGGCCTGGGTGTGTTGGGCTCAGCTTCTGGTGAGAGAGCCCCCAGCACCATGTGGGGCGG[AGG>A]GATGGGTACATGGGTGTTCCACCGTGGCCGGGTGGAAACCACATCCGACACAGGCTCCCC-3'

ClinVar aggregate classification (germline): Likely pathogenic (1 of 4 stars; one submission).

Conditions:
Microcephaly and chorioretinopathy 1. Also called: Microcephaly and chorioretinopathy, autosomal recessive, 1. Identifiers: MedGen C3278481, MONDO:0009624, OMIM 251270.

Submission:

First Genomix Gene Laboratory, Genetic Diagnostics Department
Classification: Likely pathogenic for Microcephaly and chorioretinopathy 1. Last evaluated: 2025-06-20. Review status: criteria provided, single submitter. Criteria: ACMG Guidelines, 2015. Collection method: clinical testing. Allele origin: germline. Inheritance: Autosomal recessive inheritance. Affected: no. Observed: 1 variant allele.